The following is an entry in ClinVar:

NC_000010.11:g.(?_86912230)_(86919479_?)del

Gene: BMPR1A (bone morphogenetic protein receptor type 1A; plus strand). Cytogenetic location: 10q23.2.
Variant type: Deletion.
Identifiers: ClinVar variation 832708 (VCV000832708.8).

ClinVar aggregate classification (germline): Likely pathogenic. Review status: criteria provided, single submitter (1 of 4 stars). 2 submissions from 1 submitter: Likely pathogenic (2). Last evaluated 2022-06-22.

Conditions:
Generalized juvenile polyposis/juvenile polyposis coli. Also called: Juvenile polyposis coli. Identifiers: Orphanet 329971, MedGen C1868081, MONDO:0008276.
Juvenile polyposis syndrome (JPS). Identifiers: Orphanet 2929, MedGen C0345893, MONDO:0017380, OMIM 174900.

Submissions (2):

Labcorp Genetics (formerly Invitae), Labcorp
Classification: Likely pathogenic for Juvenile polyposis syndrome. Last evaluated: 2022-06-22. Review status: criteria provided, single submitter. Criteria: Invitae Variant Classification Sherloc (09022015). Collection method: clinical testing. Allele origin: germline.
Comment: In summary, the currently available evidence indicates that the variant is pathogenic, but additional data are needed to prove that conclusively. Therefore, this variant has been classified as Likely Pathogenic. This variant disrupts the cytoplasmic and protein kinase domains of the BMPR1A protein, which are required for the regulation of the TGF-Œ≤/BMP pathways (PMID: 8397373, 14526373, 23433720). While functional studies have not been performed to directly test the effect of this variant on BMPR1A protein function, this suggests that disruption of this region of the protein is causative of disease. Experimental studies and prediction algorithms are not available or were not evaluated, and the functional significance of this variant is currently unknown. This variant has not been reported in the literature in individuals affected with BMPR1A-related conditions. This variant is a gross deletion of the genomic region encompassing exon(s) 8-10 of the BMPR1A gene. This variant would be expected to be in-frame, preserving the integrity of the reading frame.

Labcorp Genetics (formerly Invitae), Labcorp
Classification: Likely pathogenic for Juvenile polyposis syndrome. Last evaluated: 2019-10-07. Review status: criteria provided, single submitter. Criteria: Invitae Variant Classification Sherloc (09022015). Collection method: clinical testing. Allele origin: germline.
Comment: This variant is an in-frame deletion of the genomic region encompassing exons 8-10 of the BMPR1A gene. It preserves the integrity of the reading frame. This variant has not been reported in the literature in individuals with BMPR1A-related conditions. Experimental studies and prediction algorithms are not available or were not evaluated, and the functional significance of this variant is currently unknown. This variant disrupts a large portion of the cytoplasmic and protein kinase domains of the BMPR1A protein, which are required for the regulation of the TGF- /BMP pathways (PMID: 8397373, 14526373, 23433720). While functional studies have not been performed to directly test the effect of this variant on BMPR1A protein function, this suggests that disruption of this region of the protein is causative of disease. In summary, the currently available evidence indicates that the variant is pathogenic, but additional data are needed to prove that conclusively. Therefore, this variant has been classified as Likely Pathogenic.

Literature cited by the submitters: PubMed 8397373; PubMed 14526373; PubMed 23433720.